The following is an entry in ClinVar:

ClinVar aggregate classification (germline): Pathogenic (1 of 4 stars; one submission).

Submission:

Labcorp Genetics (formerly Invitae), Labcorp
Classification: Pathogenic. Last evaluated: 2023-12-31. Review status: criteria provided, single submitter. Criteria: Invitae Variant Classification Sherloc (09022015). Collection method: clinical testing. Allele origin: germline.
Comment: This sequence change creates a premature translational stop signal (p.Met1016Asnfs*6) in the ARID1B gene. It is expected to result in an absent or disrupted protein product. Loss-of-function variants in ARID1B are known to be pathogenic (PMID: 25674384, 30349098). This variant is not present in population databases (gnomAD no frequency). This variant has not been reported in the literature in individuals affected with ARID1B-related conditions. For these reasons, this variant has been classified as Pathogenic.

Literature cited by the submitters: PubMed 25674384; PubMed 30349098.

NM_001374828.1(ARID1B):c.3256dup (p.Met1086fs)

Gene: ARID1B (AT-rich interaction domain 1B; plus strand). Cytogenetic location: 6q25.3.
Variant type: Duplication.
Coding change: c.3256dup on transcript NM_001374828.1 (MANE Select); coding-DNA position 3256, one base duplicated (A; older notation c.3256dupA).
Protein change: p.Met1086fs; shifts the reading frame from methionine 1086.
Molecular consequence: frameshift variant.
Genome position (GRCh38, 1-based): chr6:157,174,028, A duplicated. VCF-style (leftmost placement, unchanged base first): chr6-157174027-T-TA. GRCh37 (hg19) VCF-style: chr6-157495161-T-TA.
Other names: c.3007dup, p.Met1003Asnfs (NM_001346813.1); c.757dup, p.Met253fs (NM_001363725.2); c.3295dup, p.Met1099fs (NM_001371656.1, NM_001374820.1); c.3256dup, p.Met1086fs (NM_017519.3); c.3046dup, p.Met1016Asnfs (NM_020732.3); c.2833dup, p.Met945Asnfs (NM_175863.2); short protein forms M1099fs, M1086fs, M253fs.
Identifiers: ClinVar variation 2766978 (VCV002766978.3), dbSNP rs2538250094, ClinGen allele CA2697553797.